The following is an entry in ClinVar:

ClinVar aggregate classification (germline): Uncertain significance (1 of 4 stars; one submission).

gnomAD v4.1: 1 of 1,613,976 alleles (0.000062%); highest among the groups gnomAD compares: Non-Finnish European, 0.000085%; no homozygotes.

Submission:

Labcorp Genetics (formerly Invitae), Labcorp
Classification: Uncertain significance. Last evaluated: 2025-10-13. Review status: criteria provided, single submitter. Criteria: Invitae Variant Classification Sherloc (09022015). Collection method: clinical testing. Allele origin: germline.
Comment: This sequence change replaces cysteine, which is neutral and slightly polar, with glycine, which is neutral and non-polar, at codon 274 of the FOCAD protein (p.Cys274Gly). This variant is not present in population databases (gnomAD no frequency). This variant has not been reported in the literature in individuals affected with FOCAD-related conditions. Experimental studies and prediction algorithms are not available or were not evaluated, and the functional significance of this variant is currently unknown. In summary, the available evidence is currently insufficient to determine the role of this variant in disease. Therefore, it has been classified as a Variant of Uncertain Significance.

NM_001375567.1(FOCAD):c.820T>G (p.Cys274Gly)

Gene: FOCAD (focadhesin; plus strand). Cytogenetic location: 9p21.3.
Variant type: single nucleotide variant.
Coding change: c.820T>G on transcript NM_001375567.1 (MANE Select); coding-DNA position 820, T replaced by G.
Protein change: p.Cys274Gly; replaces cysteine 274 with glycine.
Molecular consequence: missense variant.
Genome position (GRCh38, 1-based): chr9:20,770,152, T>G. VCF-style: chr9-20770152-T-G. GRCh37 (hg19) VCF-style: chr9-20770151-T-G.
Other names: c.820T>G, p.Cys274Gly (NM_001375568.1, NM_017794.5); c.715T>G, p.Cys239Gly (NM_001375570.1); short protein forms C239G, C274G.
Identifiers: ClinVar variation 4804138 (VCV004804138.1).
Genomic context (GRCh38, chr9:20,770,152, plus strand): 5'-CTTTTGCGTCATCCTGTTTTCTGGAAAATTCAGCTTACCCAGATGAGTCTTCAGCTGCTG[T>G]GTGTCAGTGAAGTCAGCTTAAAGATAACTGGTGAATGTTCATCTTCAATTCACCTTTTAG-3'
Protein context (NP_001362496.1, residues 264-284): QLTQMSLQLL[Cys274Gly]VSEVSLKITG